The following is an entry in ClinVar:

ClinVar aggregate classification (germline): Pathogenic (1 of 4 stars; one submission).

Conditions:
Werner syndrome (WRN). Identifiers: Orphanet 902, MedGen C0043119, MONDO:0010196, OMIM 277700.

Allele frequency attached by ClinVar (database versions not stated): gnomAD exomes below 0.00001; ExAC 0.00001; gnomAD 0.00001; TOPMed 0.00001; ESP Exome Variant Server 0.00008.
gnomAD v4.1: 4 of 1,608,438 alleles (0.00025%); highest among the groups gnomAD compares: African/African-American, 0.0013%; no homozygotes.

Submission:

Labcorp Genetics (formerly Invitae), Labcorp
Classification: Pathogenic for Werner syndrome. Last evaluated: 2024-05-21. Review status: criteria provided, single submitter. Criteria: Invitae Variant Classification Sherloc (09022015). Collection method: clinical testing. Allele origin: germline.
Comment: This sequence change affects an acceptor splice site in intron 28 of the WRN gene. RNA analysis indicates that disruption of this splice site induces altered splicing and may result in an absent or disrupted protein product. This variant is present in population databases (rs372382340, gnomAD 0.0009%). This variant has not been reported in the literature in individuals affected with WRN-related conditions. ClinVar contains an entry for this variant (Variation ID: 2141688). Studies have shown that disruption of this splice site results in skipping of exon 29 and introduces a premature termination codon (Invitae). The resulting mRNA is expected to undergo nonsense-mediated decay. For these reasons, this variant has been classified as Pathogenic.

NM_000553.6(WRN):c.3384-2A>G

Gene: WRN (WRN RecQ like helicase; plus strand). Cytogenetic location: 8p12.
Variant type: single nucleotide variant.
Coding change: c.3384-2A>G on transcript NM_000553.6 (MANE Select); the canonical splice acceptor site of the intron before coding-DNA position 3384, A replaced by G.
Molecular consequence: splice acceptor variant.
Genome position (GRCh38, 1-based): chr8:31,147,051, A>G. VCF-style: chr8-31147051-A-G. GRCh37 (hg19) VCF-style: chr8-31004567-A-G.
Identifiers: ClinVar variation 2141688 (VCV002141688.4), dbSNP rs372382340, ClinGen allele CA4705049.